The following is an entry in ClinVar:

ClinVar aggregate classification (germline): Uncertain significance (1 of 4 stars; one submission).

Submission:

GeneDx
Classification: Uncertain significance. Last evaluated: 2026-01-26. Review status: criteria provided, single submitter. Criteria: GeneDx Variant Classification Process June 2021. Collection method: clinical testing. Allele origin: germline.
Comment: Not observed at significant frequency in large population cohorts (gnomAD); In silico analysis indicates that this missense variant does not alter protein structure/function; Has not been previously published as pathogenic or benign to our knowledge

NM_021096.4(CACNA1I):c.6251A>G (p.Gln2084Arg)

Gene: CACNA1I (calcium voltage-gated channel subunit alpha1 I; plus strand). Cytogenetic location: 22q13.1.
Variant type: single nucleotide variant.
Coding change: c.6251A>G on transcript NM_021096.4 (MANE Select); coding-DNA position 6251, A replaced by G.
Protein change: p.Gln2084Arg; replaces glutamine 2084 with arginine.
Molecular consequence: missense variant.
Genome position (GRCh38, 1-based): chr22:39,685,984, A>G. VCF-style: chr22-39685984-A-G. GRCh37 (hg19) VCF-style: chr22-40081989-A-G.
Other names: c.6146A>G, p.Gln2049Arg (NM_001003406.2); short protein forms Q2049R, Q2084R.
Identifiers: ClinVar variation 3765899 (VCV003765899.2).